The following is an entry in ClinVar:

ClinVar aggregate classification (germline): Benign. Review status: criteria provided, multiple submitters, no conflicts (2 of 4 stars). 4 submissions from 4 submitters: Benign (4). Last evaluated 2026-02-03.

Conditions:
Hyperlipidemia due to hepatic triglyceride lipase deficiency. Also called: LIPC DEFICIENCY. Identifiers: Orphanet 140905, MedGen C3151466, MONDO:0013533, OMIM 614025.

Allele frequency attached by ClinVar (database versions not stated): gnomAD exomes 0.03474 and 0.02808; 1000 Genomes Project 30x 0.01796; 1000 Genomes Project 0.01857; gnomAD 0.02516 and 0.02543; TOPMed 0.02533; ExAC 0.02801; ESP Exome Variant Server 0.02892.
gnomAD v4.1: 54,573 of 1,613,420 alleles (3.4%); highest among the groups gnomAD compares: Middle Eastern, 4.8%; 1,069 homozygotes.

Submissions (13):

Labcorp Genetics (formerly Invitae), Labcorp
Classification: Benign. Last evaluated: 2026-02-03. Review status: criteria provided, single submitter. Criteria: Invitae Variant Classification Sherloc (09022015). Collection method: clinical testing. Allele origin: germline.

GeneDx
Classification: Benign. Last evaluated: 2019-10-31. Review status: criteria provided, single submitter. Criteria: GeneDx Variant Classification Process June 2021. Collection method: clinical testing. Allele origin: germline. Affected: yes.

Illumina Laboratory Services, Illumina
Classification: Benign for Hyperlipidemia due to hepatic triglyceride lipase deficiency. Last evaluated: 2018-01-13. Review status: criteria provided, single submitter. Criteria: ICSL Variant Classification Criteria 13 December 2019. Collection method: clinical testing. Allele origin: germline.
Comment: This variant was observed in the ICSL laboratory as part of a predisposition screen in an ostensibly healthy population. It had not been previously curated by ICSL or reported in the Human Gene Mutation Database (HGMD: prior to June 1st, 2018), and was therefore a candidate for classification through an automated scoring system. Utilizing variant allele frequency, disease prevalence and penetrance estimates, and inheritance mode, an automated score was calculated to assess if this variant is too frequent to cause the disease. Based on the score and internal cut-off values, a variant classified as benign is not then subjected to further curation. The score for this variant resulted in a classification of benign for this disease.

Breakthrough Genomics
Classification: Benign. Review status: criteria provided, single submitter. Criteria: ACMG Guidelines, 2015. Collection method: not provided. Allele origin: germline. Inheritance: Autosomal recessive inheritance. Affected: yes.

Dr. Peter K. Rogan Lab, Western University
No classification provided (evidence only). Condition: Sarcoma. Review status: no classification provided. Collection method: in vitro. Allele origin: not applicable. Functional consequence: skipped exon. Not counted in ClinVar's aggregate classification.

Dr. Peter K. Rogan Lab, Western University
No classification provided (evidence only). Condition: Thymoma. Review status: no classification provided. Collection method: in vitro. Allele origin: not applicable. Functional consequence: retained intron. Not counted in ClinVar's aggregate classification.

Dr. Peter K. Rogan Lab, Western University
No classification provided (evidence only). Condition: Cholangiocarcinoma. Review status: no classification provided. Collection method: in vitro. Allele origin: not applicable. Functional consequence: skipped exon. Not counted in ClinVar's aggregate classification.

Dr. Peter K. Rogan Lab, Western University
No classification provided (evidence only). Condition: Cholangiocarcinoma. Review status: no classification provided. Collection method: in vitro. Allele origin: not applicable. Functional consequence: skipped exon. Not counted in ClinVar's aggregate classification.

Dr. Peter K. Rogan Lab, Western University
No classification provided (evidence only). Condition: Ovarian serous cystadenocarcinoma. Review status: no classification provided. Collection method: in vitro. Allele origin: not applicable. Functional consequence: retained intron. Not counted in ClinVar's aggregate classification.

Dr. Peter K. Rogan Lab, Western University
No classification provided (evidence only). Condition: Ovarian serous cystadenocarcinoma. Review status: no classification provided. Collection method: in vitro. Allele origin: not applicable. Functional consequence: retained intron. Not counted in ClinVar's aggregate classification.

Dr. Peter K. Rogan Lab, Western University
No classification provided (evidence only). Condition: Ovarian serous cystadenocarcinoma. Review status: no classification provided. Collection method: in vitro. Allele origin: not applicable. Functional consequence: retained intron. Not counted in ClinVar's aggregate classification.

Dr. Peter K. Rogan Lab, Western University
No classification provided (evidence only). Condition: Ovarian serous cystadenocarcinoma. Review status: no classification provided. Collection method: in vitro. Allele origin: not applicable. Functional consequence: retained intron. Not counted in ClinVar's aggregate classification.

Dr. Peter K. Rogan Lab, Western University
No classification provided (evidence only). Condition: Gastric cancer. Review status: no classification provided. Collection method: in vitro. Allele origin: not applicable. Functional consequence: retained intron. Not counted in ClinVar's aggregate classification.

NM_000236.3(LIPC):c.575-8C>A

Gene: LIPC (lipase C, hepatic type; plus strand). Cytogenetic location: 15q21.3.
Variant type: single nucleotide variant.
Coding change: c.575-8C>A on transcript NM_000236.3 (MANE Select); 8 bases into the intron before coding-DNA position 575, C replaced by A.
Molecular consequence: intron variant.
Genome position (GRCh38, 1-based): chr15:58,545,734, C>A. VCF-style: chr15-58545734-C-A. GRCh37 (hg19) VCF-style: chr15-58837933-C-A.
Identifiers: ClinVar variation 316661 (VCV000316661.16), dbSNP rs6080, ClinGen allele CA7584929.